The following is an entry in ClinVar:

ClinVar aggregate classification (germline): Uncertain significance (1 of 4 stars; one submission).

Allele frequency attached by ClinVar (database versions not stated): gnomAD exomes below 0.00001; TOPMed below 0.00001; ExAC 0.00001.

Submission:

Labcorp Genetics (formerly Invitae), Labcorp
Classification: Uncertain significance. Last evaluated: 2023-12-27. Review status: criteria provided, single submitter. Criteria: Invitae Variant Classification Sherloc (09022015). Collection method: clinical testing. Allele origin: germline.
Comment: This sequence change replaces arginine, which is basic and polar, with cysteine, which is neutral and slightly polar, at codon 263 of the KCNK4 protein (p.Arg263Cys). This variant is present in population databases (rs762203177, gnomAD 0.002%). This variant has not been reported in the literature in individuals affected with KCNK4-related conditions. An algorithm developed to predict the effect of missense changes on protein structure and function (PolyPhen-2) suggests that this variant is likely to be disruptive. In summary, the available evidence is currently insufficient to determine the role of this variant in disease. Therefore, it has been classified as a Variant of Uncertain Significance.

NM_033310.3(KCNK4):c.787C>T (p.Arg263Cys)

Genes: KCNK4 (potassium two pore domain channel subfamily K member 4; plus strand), KCNK4-CATSPERZ (KCNK4-CATSPERZ readthrough (NMD candidate); plus strand). Cytogenetic location: 11q13.1.
Variant type: single nucleotide variant.
Coding change: c.787C>T on transcript NM_033310.3 (MANE Select); coding-DNA position 787, C replaced by T.
Protein change: p.Arg263Cys; replaces arginine 263 with cysteine.
Molecular consequence: missense variant. On other transcripts: non-coding transcript variant (3).
Genome position (GRCh38, 1-based): chr11:64,298,235, C>T. VCF-style: chr11-64298235-C-T. GRCh37 (hg19) VCF-style: chr11-64065707-C-T.
Other names: c.787C>T, p.Arg263Cys (NM_001317090.2, NM_033311.1); short protein forms R263C.
Identifiers: ClinVar variation 2705887 (VCV002705887.3), dbSNP rs762203177, ClinGen allele CA6073170.